The following is an entry in ClinVar:

NM_000089.4(COL1A2):c.1504-13A>G

Gene: COL1A2 (collagen type I alpha 2 chain; plus strand). Cytogenetic location: 7q21.3.
Variant type: single nucleotide variant.
Coding change: c.1504-13A>G on transcript NM_000089.4 (MANE Select); 13 bases into the intron before coding-DNA position 1504, A replaced by G.
Molecular consequence: intron variant.
Genome position (GRCh38, 1-based): chr7:94,413,070, A>G. VCF-style: chr7-94413070-A-G. GRCh37 (hg19) VCF-style: chr7-94042382-A-G.
Identifiers: ClinVar variation 4689308 (VCV004689308.1).

ClinVar aggregate classification (germline): Likely benign (1 of 4 stars; one submission).

gnomAD v4.1: 8 of 1,613,758 alleles (0.0005%); highest among the groups gnomAD compares: South Asian, 0.0033%; no homozygotes.

Submission:

Women's Health and Genetics/Laboratory Corporation of America, LabCorp
Classification: Likely benign. Last evaluated: 2026-01-18. Review status: criteria provided, single submitter. Criteria: LabCorp Variant Classification Summary - May 2015. Collection method: clinical testing. Allele origin: germline.
Comment: Variant summary: COL1A2 c.1504-13A>G alters a nucleotide located at a position not widely known to affect splicing. Consensus agreement among computation tools predict no significant impact on normal splicing. However, these predictions have yet to be confirmed by functional studies. The variant allele was found at a frequency of 4e-06 in 251462 control chromosomes. The available data on variant occurrences in the general population are insufficient to allow any conclusion about variant significance. To our knowledge, no occurrence of c.1504-13A>G in individuals affected with COL1A2-related conditions and no experimental evidence demonstrating its impact on protein function have been reported. No submitters have cited clinical-significance assessments for this variant to ClinVar. Based on the evidence outlined above, the variant was classified as likely benign.